The following is an entry in ClinVar:

NM_025144.4(ALPK1):c.2609G>T (p.Gly870Val)

Gene: ALPK1 (alpha kinase 1; plus strand). Cytogenetic location: 4q25.
Variant type: single nucleotide variant.
Coding change: c.2609G>T on transcript NM_025144.4 (MANE Select); coding-DNA position 2609, G replaced by T.
Protein change: p.Gly870Val; replaces glycine 870 with valine.
Molecular consequence: missense variant.
Genome position (GRCh38, 1-based): chr4:112,432,156, G>T. VCF-style: chr4-112432156-G-T. GRCh37 (hg19) VCF-style: chr4-113353312-G-T.
Other names: c.2609G>T, p.Gly870Val (NM_001102406.2); c.2375G>T, p.Gly792Val (NM_001253884.2); short protein forms G792V, G870V.
Identifiers: ClinVar variation 3654691 (VCV003654691.2).

ClinVar aggregate classification (germline): Uncertain significance (1 of 4 stars; one submission).

Submission:

Labcorp Genetics (formerly Invitae), Labcorp
Classification: Uncertain significance. Last evaluated: 2024-05-26. Review status: criteria provided, single submitter. Criteria: Invitae Variant Classification Sherloc (09022015). Collection method: clinical testing. Allele origin: germline.
Comment: This sequence change replaces glycine, which is neutral and non-polar, with valine, which is neutral and non-polar, at codon 870 of the ALPK1 protein (p.Gly870Val). This variant is not present in population databases (gnomAD no frequency). This variant has not been reported in the literature in individuals affected with ALPK1-related conditions. Advanced modeling of protein sequence and biophysical properties (such as structural, functional, and spatial information, amino acid conservation, physicochemical variation, residue mobility, and thermodynamic stability) performed at Invitae indicates that this missense variant is not expected to disrupt ALPK1 protein function with a negative predictive value of 80%. In summary, the available evidence is currently insufficient to determine the role of this variant in disease. Therefore, it has been classified as a Variant of Uncertain Significance.